The following is an entry in ClinVar:

NM_004104.5(FASN):c.6260G>A (p.Arg2087His)

Gene: FASN (fatty acid synthase; minus strand). Cytogenetic location: 17q25.3.
Variant type: single nucleotide variant.
Coding change: c.6260G>A on transcript NM_004104.5 (MANE Select); coding-DNA position 6260, G replaced by A.
Protein change: p.Arg2087His; replaces arginine 2087 with histidine.
Molecular consequence: missense variant.
Genome position (GRCh38, 1-based): chr17:82,081,747, C>T on the plus strand (G>A on the coding strand, the complement: FASN is on the minus strand). VCF-style: chr17-82081747-C-T. GRCh37 (hg19) VCF-style: chr17-80039623-C-T.
Other names: short protein forms R2087H.
Identifiers: ClinVar variation 2192431 (VCV002192431.2), dbSNP rs562304041, ClinGen allele CA8851353.

ClinVar aggregate classification (germline): Uncertain significance (1 of 4 stars; one submission).

Conditions:
Epileptic encephalopathy. Identifiers: MedGen C0543888, HP:0200134.

Allele frequency attached by ClinVar (database versions not stated): TOPMed 0.00001; gnomAD 0.00002; ExAC 0.00003; 1000 Genomes Project 30x 0.00016; 1000 Genomes Project 0.00020.
gnomAD v4.1: 35 of 1,612,692 alleles (0.0022%); highest among the groups gnomAD compares: South Asian, 0.012%; no homozygotes.

Submission:

Labcorp Genetics (formerly Invitae), Labcorp
Classification: Uncertain significance for Epileptic encephalopathy. Last evaluated: 2025-09-15. Review status: criteria provided, single submitter. Criteria: Invitae Variant Classification Sherloc (09022015). Collection method: clinical testing. Allele origin: germline.
Comment: This sequence change replaces arginine, which is basic and polar, with histidine, which is basic and polar, at codon 2087 of the FASN protein (p.Arg2087His). This variant is present in population databases (rs562304041, gnomAD 0.02%). This variant has not been reported in the literature in individuals affected with FASN-related conditions. ClinVar contains an entry for this variant (Variation ID: 2192431). An algorithm developed to predict the effect of missense changes on protein structure and function (PolyPhen-2) suggests that this variant is likely to be disruptive. In summary, the available evidence is currently insufficient to determine the role of this variant in disease. Therefore, it has been classified as a Variant of Uncertain Significance.